The following is an entry in ClinVar:

ClinVar aggregate classification (germline): Uncertain significance (1 of 4 stars; one submission).

Conditions:
Cone-rod dystrophy 13 (CORD13). Identifiers: Orphanet 1872, MedGen C2750720, MONDO:0011987, OMIM 608194.
Leber congenital amaurosis 6 (LCA6). Identifiers: Orphanet 65, MedGen C1854260, MONDO:0013446, OMIM 613826.

Submission:

Labcorp Genetics (formerly Invitae), Labcorp
Classification: Uncertain significance for Leber congenital amaurosis 6; Cone-rod dystrophy 13. Last evaluated: 2022-03-10. Review status: criteria provided, single submitter. Criteria: Invitae Variant Classification Sherloc (09022015). Collection method: clinical testing. Allele origin: germline.
Comment: Variants that disrupt the consensus splice site are a relatively common cause of aberrant splicing (PMID: 17576681, 9536098). Algorithms developed to predict the effect of sequence changes on RNA splicing suggest that this variant may disrupt the consensus splice site. In summary, the available evidence is currently insufficient to determine the role of this variant in disease. Therefore, it has been classified as a Variant of Uncertain Significance. This variant has not been reported in the literature in individuals affected with RPGRIP1-related conditions. This sequence change falls in intron 18 of the RPGRIP1 gene. It does not directly change the encoded amino acid sequence of the RPGRIP1 protein. It affects a nucleotide within the consensus splice site. This variant is not present in population databases (gnomAD no frequency).

Literature cited by the submitters: PubMed 17576681; PubMed 9536098.

NM_020366.4(RPGRIP1):c.3100-3A>G

Gene: RPGRIP1 (RPGR interacting protein 1; plus strand). Cytogenetic location: 14q11.2.
Variant type: single nucleotide variant.
Coding change: c.3100-3A>G on transcript NM_020366.4 (MANE Select); 3 bases into the intron before coding-DNA position 3100, A replaced by G.
Molecular consequence: intron variant.
Genome position (GRCh38, 1-based): chr14:21,330,246, A>G. VCF-style: chr14-21330246-A-G. GRCh37 (hg19) VCF-style: chr14-21798405-A-G.
Other names: c.2026-3A>G (NM_001377948.1); c.1186-3A>G (NM_001377949.1); c.1078-3A>G (NM_001377523.1); c.1078-6A>G (NM_001377950.1); c.580-3A>G (NM_001377951.1).
Identifiers: ClinVar variation 1525264 (VCV001525264.6), dbSNP rs2139263237, ClinGen allele CA2573149724.
Genomic context (GRCh38, chr14:21,330,246, plus strand): 5'-AGGAATGAAGAAAGAAAACCAAGATATTACCAGCTATGTAGTATTGTTGTTCTTATTCTG[A>G]AGCAGGTGAATTACACTGAGTGGAAGTTCTCAGAGACTAACAGCTTCATAGGTGATGGCT-3'